The following is an entry in ClinVar:

ClinVar aggregate classification (germline): Uncertain significance (1 of 4 stars; one submission).

gnomAD v4.1: 1 of 1,570,260 alleles (0.000064%); highest among the groups gnomAD compares: Admixed American, 0.0019%; no homozygotes.

Submission:

Labcorp Genetics (formerly Invitae), Labcorp
Classification: Uncertain significance. Last evaluated: 2023-06-09. Review status: criteria provided, single submitter. Criteria: Invitae Variant Classification Sherloc (09022015). Collection method: clinical testing. Allele origin: germline.
Comment: This sequence change replaces threonine, which is neutral and polar, with lysine, which is basic and polar, at codon 602 of the MAGEL2 protein (p.Thr602Lys). The frequency data for this variant in the population databases is considered unreliable, as metrics indicate poor data quality at this position in the gnomAD database. This variant has not been reported in the literature in individuals affected with MAGEL2-related conditions. Advanced modeling of protein sequence and biophysical properties (such as structural, functional, and spatial information, amino acid conservation, physicochemical variation, residue mobility, and thermodynamic stability) performed at Invitae indicates that this missense variant is not expected to disrupt MAGEL2 protein function. In summary, the available evidence is currently insufficient to determine the role of this variant in disease. Therefore, it has been classified as a Variant of Uncertain Significance.

NM_019066.5(MAGEL2):c.1805C>A (p.Thr602Lys)

Gene: MAGEL2 (MAGE family member L2; minus strand). Cytogenetic location: 15q11.2.
Variant type: single nucleotide variant.
Coding change: c.1805C>A on transcript NM_019066.5 (MANE Select); coding-DNA position 1805, C replaced by A.
Protein change: p.Thr602Lys; replaces threonine 602 with lysine.
Molecular consequence: missense variant.
Genome position (GRCh38, 1-based): chr15:23,645,938, G>T on the plus strand (C>A on the coding strand, the complement: MAGEL2 is on the minus strand). VCF-style: chr15-23645938-G-T. GRCh37 (hg19) VCF-style: chr15-23891085-G-T.
Other names: short protein forms T602K.
Identifiers: ClinVar variation 3014394 (VCV003014394.3), dbSNP rs761204158, ClinGen allele CA391333295.